The following is an entry in ClinVar:

NM_001089.3(ABCA3):c.2414+4C>T

Gene: ABCA3 (ATP binding cassette subfamily A member 3; minus strand). Cytogenetic location: 16p13.3.
Variant type: single nucleotide variant.
Coding change: c.2414+4C>T on transcript NM_001089.3 (MANE Select); 4 bases into the intron after coding-DNA position 2414, C replaced by T.
Molecular consequence: intron variant.
Genome position (GRCh38, 1-based): chr16:2,295,586, G>A on the plus strand (C>T on the coding strand, the complement: ABCA3 is on the minus strand). VCF-style: chr16-2295586-G-A. GRCh37 (hg19) VCF-style: chr16-2345587-G-A.
Identifiers: ClinVar variation 1462972 (VCV001462972.3), dbSNP rs780517355, ClinGen allele CA7840839.

ClinVar aggregate classification (germline): Uncertain significance (1 of 4 stars; one submission).

Allele frequency attached by ClinVar (database versions not stated): gnomAD 0.00001 and 0.00003; ExAC 0.00003; TOPMed 0.00003.
gnomAD v4.1: 49 of 1,612,444 alleles (0.003%); highest among the groups gnomAD compares: East Asian, 0.013%; no homozygotes.

Submission:

Labcorp Genetics (formerly Invitae), Labcorp
Classification: Uncertain significance. Last evaluated: 2022-03-09. Review status: criteria provided, single submitter. Criteria: Invitae Variant Classification Sherloc (09022015). Collection method: clinical testing. Allele origin: germline.
Comment: This sequence change falls in intron 18 of the ABCA3 gene. It does not directly change the encoded amino acid sequence of the ABCA3 protein. It affects a nucleotide within the consensus splice site. This variant is present in population databases (rs780517355, gnomAD 0.03%). This variant has not been reported in the literature in individuals affected with ABCA3-related conditions. Variants that disrupt the consensus splice site are a relatively common cause of aberrant splicing (PMID: 17576681, 9536098). Algorithms developed to predict the effect of sequence changes on RNA splicing suggest that this variant is not likely to affect RNA splicing. In summary, the available evidence is currently insufficient to determine the role of this variant in disease. Therefore, it has been classified as a Variant of Uncertain Significance.

Literature cited by the submitters: PubMed 17576681; PubMed 9536098.